The following is an entry in ClinVar:

ClinVar aggregate classification (germline): Uncertain significance (1 of 4 stars; one submission).

Allele frequency attached by ClinVar (database versions not stated): gnomAD exomes below 0.00001; TOPMed below 0.00001; gnomAD 0.00001.
gnomAD v4.1: 2 of 1,613,730 alleles (0.00012%); highest among the groups gnomAD compares: Non-Finnish European, 0.000085%; no homozygotes.

Submission:

Labcorp Genetics (formerly Invitae), Labcorp
Classification: Uncertain significance. Last evaluated: 2022-09-13. Review status: criteria provided, single submitter. Criteria: Invitae Variant Classification Sherloc (09022015). Collection method: clinical testing. Allele origin: germline.
Comment: This sequence change replaces phenylalanine, which is neutral and non-polar, with leucine, which is neutral and non-polar, at codon 5303 of the ADGRV1 protein (p.Phe5303Leu). This variant is present in population databases (no rsID available, gnomAD 0.0009%). This variant has not been reported in the literature in individuals affected with ADGRV1-related conditions. ClinVar contains an entry for this variant (Variation ID: 1379776). Advanced modeling of protein sequence and biophysical properties (such as structural, functional, and spatial information, amino acid conservation, physicochemical variation, residue mobility, and thermodynamic stability) performed at Invitae indicates that this missense variant is not expected to disrupt ADGRV1 protein function. In summary, the available evidence is currently insufficient to determine the role of this variant in disease. Therefore, it has been classified as a Variant of Uncertain Significance.

NM_032119.4(ADGRV1):c.15907T>C (p.Phe5303Leu)

Gene: ADGRV1 (adhesion G protein-coupled receptor V1; plus strand). Cytogenetic location: 5q14.3.
Variant type: single nucleotide variant.
Coding change: c.15907T>C on transcript NM_032119.4 (MANE Select); coding-DNA position 15907, T replaced by C.
Protein change: p.Phe5303Leu; replaces phenylalanine 5303 with leucine.
Molecular consequence: missense variant. On other transcripts: non-coding transcript variant (1).
Genome position (GRCh38, 1-based): chr5:90,811,167, T>C. VCF-style: chr5-90811167-T-C. GRCh37 (hg19) VCF-style: chr5-90106984-T-C.
Other names: short protein forms F5303L.
Identifiers: ClinVar variation 1379776 (VCV001379776.3), dbSNP rs372410476, ClinGen allele CA122822190.